The following is an entry in ClinVar:

NM_000426.4(LAMA2):c.6810_6816del (p.Ile2270fs)

Gene: LAMA2 (laminin subunit alpha 2; plus strand). Cytogenetic location: 6q22.33.
Variant type: Deletion.
Coding change: c.6810_6816del on transcript NM_000426.4 (MANE Select); coding-DNA positions 6810 to 6816, 7 bases deleted (TCTAGAT; older notation c.6810_6816delTCTAGAT).
Protein change: p.Ile2270fs; shifts the reading frame from isoleucine 2270.
Molecular consequence: frameshift variant.
Genome position (GRCh38, 1-based): chr6:129,456,437-129,456,443, TCTAGAT deleted; deleting any 7 consecutive bases within chr6:129,456,434-129,456,443 gives the same sequence; the c. name uses the placement nearest the transcript's 3' end. VCF-style (leftmost placement, unchanged base first): chr6-129456433-CGATTCTA-C. GRCh37 (hg19) VCF-style: chr6-129777578-CGATTCTA-C.
Other names: c.6810_6816del, p.Ile2270fs (NM_001079823.2); short protein forms I2270fs.
Identifiers: ClinVar variation 5014789 (VCV005014789.1).

ClinVar aggregate classification (germline): Pathogenic (1 of 4 stars; one submission).

Conditions:
LAMA2-related muscular dystrophy (LAMA2-RD). Also called: Laminin alpha 2-related dystrophy. Identifiers: MedGen C5679788, MONDO:0100228.

Submission:

Myriad Genetics, Inc.
Classification: Pathogenic for LAMA2-related muscular dystrophy. Last evaluated: 2025-07-29. Review status: criteria provided, single submitter. Criteria: Myriad Autosomal Dominant, Autosomal Recessive and X-Linked Classification Criteria (2023). Collection method: clinical testing. Allele origin: unknown.
Comment: NM_000426.3(LAMA2):c.6810_6816del7(I2270Mfs*13) is expected to be pathogenic in the context of muscular dystrophy, LAMA2-related. This variant is predicted to lead to an abnormal or absent protein product due to the creation of a premature termination codon in LAMA2, a gene where loss-of-function variants are known to be pathogenic. Please note: this variant was assessed in the context of healthy population screening.